The following is an entry in ClinVar:

ClinVar aggregate classification (germline): Uncertain significance. Review status: criteria provided, multiple submitters, no conflicts (2 of 4 stars). 2 submissions from 2 submitters: Uncertain significance (2). Last evaluated 2021-12-30.

Conditions:
DICER1-related tumor predisposition. Also called: DICER1 syndrome; DICER1-related pleuropulmonary blastoma cancer predisposition syndrome. Identifiers: Orphanet 284343, MedGen C3839822, MONDO:0100216.
Hereditary cancer-predisposing syndrome. Also called: Hereditary neoplastic syndrome; Tumor predisposition; Hereditary Cancer Syndrome; Neoplastic Syndromes, Hereditary. Identifiers: Orphanet 140162, MedGen C0027672, MeSH D009386, MONDO:0015356.

Submissions (2):

Ambry Genetics
Classification: Uncertain significance for Hereditary cancer-predisposing syndrome. Last evaluated: 2021-12-30. Review status: criteria provided, single submitter. Criteria: Ambry Variant Classification Scheme 2023. Collection method: clinical testing. Allele origin: germline.
Comment: The p.S1286F variant (also known as c.3857C>T), located in coding exon 20 of the DICER1 gene, results from a C to T substitution at nucleotide position 3857. The serine at codon 1286 is replaced by phenylalanine, an amino acid with highly dissimilar properties. This amino acid position is highly conserved in available vertebrate species. In addition, this alteration is predicted to be deleterious by in silico analysis. Since supporting evidence is limited at this time, the clinical significance of this alteration remains unclear.

Labcorp Genetics (formerly Invitae), Labcorp
Classification: Uncertain significance for DICER1-related tumor predisposition. Last evaluated: 2020-03-05. Review status: criteria provided, single submitter. Criteria: Invitae Variant Classification Sherloc (09022015). Collection method: clinical testing. Allele origin: germline.
Comment: In summary, the available evidence is currently insufficient to determine the role of this variant in disease. Therefore, it has been classified as a Variant of Uncertain Significance. Algorithms developed to predict the effect of missense changes on protein structure and function do not agree on the potential impact of this missense change (SIFT: "Tolerated"; PolyPhen-2: "Possibly Damaging"; Align-GVGD: "Class C0"). This variant has not been reported in the literature in individuals with DICER1-related disease. This variant is not present in population databases (ExAC no frequency). This sequence change replaces serine with phenylalanine at codon 1286 of the DICER1 protein (p.Ser1286Phe). The serine residue is highly conserved and there is a large physicochemical difference between serine and phenylalanine.

NM_177438.3(DICER1):c.3857C>T (p.Ser1286Phe)

Gene: DICER1 (dicer 1, ribonuclease III; minus strand). Cytogenetic location: 14q32.13.
Variant type: single nucleotide variant.
Coding change: c.3857C>T on transcript NM_177438.3 (MANE Select); coding-DNA position 3857, C replaced by T.
Protein change: p.Ser1286Phe; replaces serine 1286 with phenylalanine.
Molecular consequence: missense variant.
Genome position (GRCh38, 1-based): chr14:95,103,539, G>A on the plus strand (C>T on the coding strand, the complement: DICER1 is on the minus strand). VCF-style: chr14-95103539-G-A. GRCh37 (hg19) VCF-style: chr14-95569876-G-A.
Other names: c.3857C>T, p.Ser1286Phe (NM_001195573.1, NM_001271282.3, NM_001291628.2 and 1 more transcripts); short protein forms S1286F.
Identifiers: ClinVar variation 577230 (VCV000577230.12), dbSNP rs1566767059, ClinGen allele CA390873297.